The following is an entry in ClinVar:

NM_007294.4(BRCA1):c.507G>C (p.Gln169His)

Gene: BRCA1 (BRCA1 DNA repair associated; minus strand). Cytogenetic location: 17q21.31.
Variant type: single nucleotide variant.
Coding change: c.507G>C on transcript NM_007294.4 (MANE Select); coding-DNA position 507, G replaced by C.
Protein change: p.Gln169His; replaces glutamine 169 with histidine.
Molecular consequence: missense variant. On other transcripts: intron variant (2).
Genome position (GRCh38, 1-based): chr17:43,099,815, C>G on the plus strand (G>C on the coding strand, the complement: BRCA1 is on the minus strand). VCF-style: chr17-43099815-C-G. GRCh37 (hg19) VCF-style: chr17-41251832-C-G.
Other names: c.294G>C, p.Gln98His (NM_001407915.1, NM_001407571.1, NM_001408491.1 and 18 more transcripts); c.507G>C, p.Gln169His (NM_001407596.1, NM_001407597.1, NM_001407598.1 and 96 more transcripts); c.504G>C, p.Gln168His (NM_001407587.1, NM_001407590.1, NM_001407591.1 and 65 more transcripts); c.366G>C, p.Gln122His (NM_001407734.1, NM_001407735.1, NM_001407736.1 and 61 more transcripts); c.363G>C, p.Gln121His (NM_001407740.1, NM_001407741.1, NM_001407742.1 and 35 more transcripts); c.429G>C, p.Gln143His (NM_001407862.1, NM_001408411.1, NM_001408412.1 and 12 more transcripts); c.426G>C, p.Gln142His (NM_001407874.1, NM_001407875.1, NM_001408413.1 and 6 more transcripts); c.297G>C, p.Gln99His (NM_001407879.1, NM_001407881.1, NM_001407882.1 and 37 more transcripts); and 5 more; short protein forms Q121H, Q122H, Q124H, Q142H, Q143H, Q166H, Q168H, Q169H.
Identifiers: ClinVar variation 4856490 (VCV004856490.1).
Genomic context (GRCh38, chr17:43,099,815, plus strand): 5'-AAAAAACCTGAGACCCTTACCCAATTCAATGTAGACAGACGTCTTTTGAGGTTGTATCCG[C>G]TGCTTTGTCCTCAGAGTTCTCACAGTTCCAAGGTTAGAGAGTTGGACACTGAGACTGGTT-3'
Protein context (NP_009225.1, residues 159-179): LGTVRTLRTK[Gln169His]RIQPQKTSVY

ClinVar aggregate classification (germline): Likely benign (1 of 4 stars; one submission).

Conditions:
Breast-ovarian cancer, familial, susceptibility to, 1 (BROVCA1). Also called: OVARIAN CANCER, SUSCEPTIBILITY TO; BRCA1 Hereditary Breast and Ovarian Cancer. Identifiers: Orphanet 145, MedGen C2676676, MONDO:0011450, OMIM 604370. Disease mechanism: loss of function.

gnomAD v4.1: 1 of 1,613,772 alleles (0.000062%); highest among the groups gnomAD compares: South Asian, 0.0011%; no homozygotes.

Submission:

Cancer Bioinformatics and Tumour Evolution Laboratory, Monash University
Classification: Likely benign for Breast-ovarian cancer, familial, susceptibility to, 1. Last evaluated: 2026-05-01. Review status: criteria provided, single submitter. Criteria: ClinGen BRCA1 and BRCA2 Guidelines, 2024. Collection method: curation. Allele origin: germline. Inheritance: Autosomal dominant inheritance.
Comment: Missense variant outside of a functional domain with no splice impact. BRCA1 and BRCA2 VCEP guidelines recommend application of BP1_Strong (PMID: 39142283)